The following is an entry in ClinVar:

NM_017852.5(NLRP2):c.2110C>T (p.Leu704=)

Gene: NLRP2 (NLR family pyrin domain containing 2; plus strand). Cytogenetic location: 19q13.42.
Variant type: single nucleotide variant.
Coding change: c.2110C>T on transcript NM_017852.5 (MANE Select); coding-DNA position 2110, C replaced by T.
Protein change: p.Leu704=; no amino-acid change (leucine 704 retained).
Molecular consequence: synonymous variant. On other transcripts: non-coding transcript variant (1).
Genome position (GRCh38, 1-based): chr19:54,985,126, C>T. VCF-style: chr19-54985126-C-T. GRCh37 (hg19) VCF-style: chr19-55496494-C-T.
Other names: c.2110C>T, p.Leu704= (NM_001174081.3); c.2044C>T, p.Leu682= (NM_001174082.3); c.2041C>T, p.Leu681= (NM_001174083.2); c.2101C>T, p.Leu701= (NM_001348003.2).
Identifiers: ClinVar variation 3060536 (VCV003060536.2), dbSNP rs61733928, ClinGen allele CA310107968.

ClinVar aggregate classification (germline): Benign (0 of 4 stars; one submission).

Conditions:
NLRP2-related disorder. Also called: NLRP2-related condition.

Allele frequency attached by ClinVar (database versions not stated): 1000 Genomes Project 0.01218; 1000 Genomes Project 30x 0.01218; gnomAD 0.02013; TOPMed 0.02013; ESP Exome Variant Server 0.02237.
gnomAD v4.1: 39,580 of 1,613,970 alleles (2.5%); highest among the groups gnomAD compares: Non-Finnish European, 2.8%; 548 homozygotes.

Submission:

PreventionGenetics, part of Exact Sciences
Classification: Benign for NLRP2-related condition. Last evaluated: 2019-09-24. Review status: no assertion criteria provided. Collection method: clinical testing. Allele origin: germline.
Comment: This variant is classified as benign based on ACMG/AMP sequence variant interpretation guidelines (Richards et al. 2015 PMID: 25741868, with internal and published modifications).